The following is an entry in ClinVar:

NM_000548.5(TSC2):c.1180C>G (p.Leu394Val)

Gene: TSC2 (TSC complex subunit 2; plus strand). Cytogenetic location: 16p13.3.
Variant type: single nucleotide variant.
Coding change: c.1180C>G on transcript NM_000548.5 (MANE Select); coding-DNA position 1180, C replaced by G.
Protein change: p.Leu394Val; replaces leucine 394 with valine.
Molecular consequence: missense variant.
Genome position (GRCh38, 1-based): chr16:2,061,931, C>G. VCF-style: chr16-2061931-C-G. GRCh37 (hg19) VCF-style: chr16-2111932-C-G.
Other names: c.1180C>G, p.Leu394Val (NM_001077183.3, NM_001114382.3, NM_001363528.2 and 3 more transcripts); c.1069C>G, p.Leu357Val (NM_001318827.2); c.1033C>G, p.Leu345Val (NM_001318829.2); c.580C>G, p.Leu194Val (NM_001318831.2); c.1213C>G, p.Leu405Val (NM_001318832.2); short protein forms L394V, L194V, L405V, L345V, L357V.
Identifiers: ClinVar variation 535881 (VCV000535881.12), dbSNP rs1409309186, ClinGen allele CA394320514.

ClinVar aggregate classification (germline): Uncertain significance. Review status: criteria provided, multiple submitters, no conflicts (2 of 4 stars). 3 submissions from 3 submitters: Uncertain significance (3). Last evaluated 2025-04-02.

Conditions:
Hereditary cancer-predisposing syndrome. Also called: Neoplastic Syndromes, Hereditary; Hereditary neoplastic syndrome; Tumor predisposition; Hereditary Cancer Syndrome. Identifiers: Orphanet 140162, MedGen C0027672, MeSH D009386, MONDO:0015356.
Isolated focal cortical dysplasia type II (FCORD2). Also called: CORTICAL DYSPLASIA OF TAYLOR; Focal cortical dysplasia type II. Identifiers: Orphanet 268994, MedGen C1846385, MONDO:0011818, OMIM 607341, HP:0032051.
Tuberous sclerosis 2 (TSC2). Identifiers: Orphanet 805, MedGen C1860707, MONDO:0013199, OMIM 613254.

Allele frequency attached by ClinVar (database versions not stated): TOPMed below 0.00001.

Submissions (3):

Ambry Genetics
Classification: Uncertain significance for Hereditary cancer-predisposing syndrome. Last evaluated: 2025-04-02. Review status: criteria provided, single submitter. Criteria: Ambry Variant Classification Scheme 2023. Collection method: clinical testing. Allele origin: germline.
Comment: The p.L394V variant (also known as c.1180C>G), located in coding exon 11 of the TSC2 gene, results from a C to G substitution at nucleotide position 1180. The leucine at codon 394 is replaced by valine, an amino acid with highly similar properties. This amino acid position is well conserved in available vertebrate species. In addition, the in silico prediction for this alteration is inconclusive. This nucleotide position is highly conserved in available vertebrate species. In silico splice site analysis predicts that this alteration will result in the creation or strengthening of a novel splice donor site. RNA studies have demonstrated that this alteration results in an incomplete splice defect; the clinical impact of this abnormal splicing is unknown at this time (Ambry internal data). Based on the available evidence, the clinical significance of this variant remains unclear.

Baylor Genetics
Classification: Uncertain significance for Isolated focal cortical dysplasia type II. Last evaluated: 2023-06-25. Review status: criteria provided, single submitter. Criteria: ACMG Guidelines, 2015. Collection method: clinical testing. Allele origin: unknown.

Labcorp Genetics (formerly Invitae), Labcorp
Classification: Uncertain significance for Tuberous sclerosis 2. Last evaluated: 2022-02-08. Review status: criteria provided, single submitter. Criteria: Invitae Variant Classification Sherloc (09022015). Collection method: clinical testing. Allele origin: germline.
Comment: In summary, the available evidence is currently insufficient to determine the role of this variant in disease. Therefore, it has been classified as a Variant of Uncertain Significance. Algorithms developed to predict the effect of sequence changes on RNA splicing suggest that this variant may create or strengthen a splice site. Advanced modeling of protein sequence and biophysical properties (such as structural, functional, and spatial information, amino acid conservation, physicochemical variation, residue mobility, and thermodynamic stability) performed at Invitae indicates that this missense variant is not expected to disrupt TSC2 protein function. This variant has not been reported in the literature in individuals affected with TSC2-related conditions. ClinVar contains an entry for this variant (Variation ID: 535881). This variant is not present in population databases (gnomAD no frequency). This sequence change replaces leucine, which is neutral and non-polar, with valine, which is neutral and non-polar, at codon 394 of the TSC2 protein (p.Leu394Val).